The following is an entry in ClinVar:

NM_001077365.2(POMT1):c.1465GAG[1] (p.Glu490del)

Gene: POMT1 (protein O-mannosyltransferase 1; plus strand). Cytogenetic location: 9q34.13.
Variant type: Microsatellite.
Coding change: c.1465GAG[1] on transcript NM_001077365.2 (MANE Select); one copy of the 3-base unit GAG starting at c.1465; the reference has two copies in a row; one copy, 3 bases deleted.
Protein change: p.Glu490del; deletes glutamic acid 490.
Molecular consequence: inframe deletion. On other transcripts: non-coding transcript variant (10), intron variant (1).
Genome position (GRCh38, 1-based): chr9:131,518,939-131,518,941, GAG deleted; deleting any 3 consecutive bases within chr9:131,518,935-131,518,941 gives the same sequence; the position shown is the placement nearest the transcript's 3' end. VCF-style (leftmost placement, unchanged base first): chr9-131518934-TGGA-T. GRCh37 (hg19) VCF-style: chr9-134394321-TGGA-T.
Other names: c.1303GAG[1], p.Glu436del (NM_001077366.2, NM_001353194.2); c.1465GAG[1], p.Glu490del (NM_001136113.2); c.1114GAG[1], p.Glu373del (NM_001136114.2, NM_001353195.2, NM_001374691.1 and 2 more transcripts); c.1531GAG[1], p.Glu512del (NM_001353193.2, NM_007171.4); c.1375GAG[1], p.Glu460del (NM_001353196.2); c.1369GAG[1], p.Glu458del (NM_001353197.2, NM_001353198.2); c.1180GAG[1], p.Glu395del (NM_001353199.2); c.1009GAG[1], p.Glu338del (NM_001353200.2); and 3 more; short protein forms E458del, E486del, E490del, E338del, E373del, E436del, E395del, E460del.
Identifiers: ClinVar variation 834565 (VCV000834565.10), dbSNP rs1949322859, ClinGen allele CA916083075.

ClinVar aggregate classification (germline): Uncertain significance (1 of 4 stars; one submission).

Conditions:
Walker-Warburg congenital muscular dystrophy. Also called: Muscular dystrophy-dystroglycanopathy, type A; Walker-Warburg syndrome. Identifiers: Orphanet 899, MedGen C0265221, MONDO:0000171.
Autosomal recessive limb-girdle muscular dystrophy type 2K. Also called: MUSCULAR DYSTROPHY, LIMB-GIRDLE, TYPE 2K; MUSCULAR DYSTROPHY-DYSTROGLYCANOPATHY (LIMB-GIRDLE), TYPE C, 1. Identifiers: Orphanet 86812, MedGen C1836373, MONDO:0012248, OMIM 609308.
Muscular dystrophy-dystroglycanopathy (congenital with impaired intellectual development), type B, 1. Also called: MUSCULAR DYSTROPHY, CONGENITAL, POMT1-RELATED; Muscular dystrophy-dystroglycanopathy (congenital with intellectual disability), type B1. Identifiers: MedGen C5436962, MONDO:0013159, OMIM 613155.

Submission:

Labcorp Genetics (formerly Invitae), Labcorp
Classification: Uncertain significance for Muscular dystrophy-dystroglycanopathy (congenital with impaired intellectual development), type B, 1; Walker-Warburg congenital muscular dystrophy; Autosomal recessive limb-girdle muscular dystrophy type 2K. Last evaluated: 2019-03-22. Review status: criteria provided, single submitter. Criteria: Invitae Variant Classification Sherloc (09022015). Collection method: clinical testing. Allele origin: germline.
Comment: In summary, the available evidence is currently insufficient to determine the role of this variant in disease. Therefore, it has been classified as a Variant of Uncertain Significance. Experimental studies and prediction algorithms are not available for this variant, and the functional significance of the affected amino acid(s) is currently unknown. This variant has not been reported in the literature in individuals with POMT1-related conditions. This variant is not present in population databases (ExAC no frequency). This variant, c.1534_1536del, results in the deletion of 1 amino acid(s) of the POMT1 protein (p.Glu512del), but otherwise preserves the integrity of the reading frame.